The following is an entry in ClinVar:

ClinVar aggregate classification (germline): Uncertain significance (1 of 4 stars; one submission).

Submission:

Ambry Genetics
Classification: Uncertain significance. Last evaluated: 2023-05-06. Review status: criteria provided, single submitter. Criteria: Ambry Variant Classification Scheme 2023. Collection method: clinical testing. Allele origin: germline.
Comment: The p.A229P variant (also known as c.685G>C), located in coding exon 1 of the EGLN2 gene, results from a G to C substitution at nucleotide position 685. The alanine at codon 229 is replaced by proline, an amino acid with highly similar properties. This amino acid position is conserved. In addition, this alteration is predicted to be tolerated by in silico analysis. Since supporting evidence is limited at this time, the clinical significance of this alteration remains unclear.

NM_080732.4(EGLN2):c.685G>C (p.Ala229Pro)

Genes: EGLN2 (egl-9 family hypoxia inducible factor 2; plus strand), RAB4B-EGLN2 (RAB4B-EGLN2 readthrough (NMD candidate); plus strand). Cytogenetic location: 19q13.2.
Variant type: single nucleotide variant.
Coding change: c.685G>C on transcript NM_080732.4 (MANE Select); coding-DNA position 685, G replaced by C.
Protein change: p.Ala229Pro; replaces alanine 229 with proline.
Molecular consequence: missense variant. On other transcripts: non-coding transcript variant (1).
Genome position (GRCh38, 1-based): chr19:40,801,257, G>C. VCF-style: chr19-40801257-G-C. GRCh37 (hg19) VCF-style: chr19-41307162-G-C.
Other names: c.685G>C, p.Ala229Pro (NM_053046.4); short protein forms A229P.
Identifiers: ClinVar variation 2564160 (VCV002564160.2), dbSNP rs2515995173, ClinGen allele CA405955770.